The following is an entry in ClinVar:

ClinVar aggregate classification (germline): Uncertain significance (1 of 4 stars; one submission).

Conditions:
Familial thoracic aortic aneurysm and aortic dissection (TAAD). Also called: Thoracic aortic aneurysms and dissections. Identifiers: Orphanet 91387, MedGen C4707243, MONDO:0019625.

Submission:

Ambry Genetics
Classification: Uncertain significance for Familial thoracic aortic aneurysm and aortic dissection. Last evaluated: 2026-01-12. Review status: criteria provided, single submitter. Criteria: Ambry Variant Classification Scheme 2023. Collection method: clinical testing. Allele origin: germline.
Comment: The p.K1072R variant (also known as c.3215A>G), located in coding exon 15 of the MYLK gene, results from an A to G substitution at nucleotide position 3215. The lysine at codon 1072 is replaced by arginine, an amino acid with highly similar properties. This amino acid position is conserved. In addition, this alteration is predicted to be tolerated by in silico analysis. Based on the available evidence, the clinical significance of this variant remains unclear.

NM_053025.4(MYLK):c.3215A>G (p.Lys1072Arg)

Gene: MYLK (myosin light chain kinase; minus strand). Cytogenetic location: 3q21.1.
Variant type: single nucleotide variant.
Coding change: c.3215A>G on transcript NM_053025.4 (MANE Select); coding-DNA position 3215, A replaced by G.
Protein change: p.Lys1072Arg; replaces lysine 1072 with arginine.
Molecular consequence: missense variant.
Genome position (GRCh38, 1-based): chr3:123,700,253, T>C on the plus strand (A>G on the coding strand, the complement: MYLK is on the minus strand). VCF-style: chr3-123700253-T-C. GRCh37 (hg19) VCF-style: chr3-123419100-T-C.
Other names: c.2687A>G, p.Lys896Arg (NM_001321309.2); c.3008A>G, p.Lys1003Arg (NM_053026.4, NM_053028.4); c.3215A>G, p.Lys1072Arg (NM_053027.4); short protein forms K1003R, K896R, K1072R.
Identifiers: ClinVar variation 4843599 (VCV004843599.1).